The following is an entry in ClinVar:

ClinVar aggregate classification (germline): Benign/Likely benign. Review status: criteria provided, multiple submitters, no conflicts (2 of 4 stars). 4 submissions from 4 submitters: Benign (1); Likely benign (3). Last evaluated 2026-05-01.

Conditions:
Autoimmune lymphoproliferative syndrome type 2A (ALPS2A). Also called: Autoimmune lymphoproliferative syndrome type 2; CASP10-Related Autoimmune Lymphoproliferative Syndrome; AUTOIMMUNE LYMPHOPROLIFERATIVE SYNDROME, TYPE IIA. Identifiers: Orphanet 3261, MedGen C1858968, MONDO:0011383, OMIM 603909.

Allele frequency attached by ClinVar (database versions not stated): 1000 Genomes Project 30x 0.00016; gnomAD exomes 0.00017 and 0.00026; gnomAD 0.00019 and 0.00021; 1000 Genomes Project 0.00020; ESP Exome Variant Server 0.00031; ExAC 0.00035; TOPMed 0.00036.
gnomAD v4.1: 292 of 1,613,742 alleles (0.018%); highest among the groups gnomAD compares: Middle Eastern, 1.4%; 4 homozygotes.

Submissions (4):

CeGaT Center for Human Genetics Tuebingen
Classification: Likely benign. Last evaluated: 2026-05-01. Review status: criteria provided, single submitter. Criteria: CeGaT Center For Human Genetics Tuebingen Variant Classification Criteria Version 2. Collection method: clinical testing. Allele origin: germline. Affected: yes. Observed: 4 variant alleles.
Comment: CASP10: BP4, BP7

Labcorp Genetics (formerly Invitae), Labcorp
Classification: Likely benign for Autoimmune lymphoproliferative syndrome type 2A. Last evaluated: 2025-12-10. Review status: criteria provided, single submitter. Criteria: Invitae Variant Classification Sherloc (09022015). Collection method: clinical testing. Allele origin: germline.

Blueprint Genetics
Classification: Likely benign. Last evaluated: 2024-10-08. Review status: criteria provided, single submitter. Criteria: ACMG Guidelines, 2015. Collection method: clinical testing. Allele origin: germline.

Illumina Laboratory Services, Illumina
Classification: Benign for Autoimmune lymphoproliferative syndrome type 2A. Last evaluated: 2018-01-12. Review status: criteria provided, single submitter. Criteria: ICSL Variant Classification Criteria 13 December 2019. Collection method: clinical testing. Allele origin: germline.
Comment: This variant was observed in the ICSL laboratory as part of a predisposition screen in an ostensibly healthy population. It had not been previously curated by ICSL or reported in the Human Gene Mutation Database (HGMD: prior to June 1st, 2018), and was therefore a candidate for classification through an automated scoring system. Utilizing variant allele frequency, disease prevalence and penetrance estimates, and inheritance mode, an automated score was calculated to assess if this variant is too frequent to cause the disease. Based on the score and internal cut-off values, a variant classified as benign is not then subjected to further curation. The score for this variant resulted in a classification of benign for this disease.

NM_032977.4(CASP10):c.1347T>C (p.Phe449=)

Gene: CASP10 (caspase 10; plus strand). Cytogenetic location: 2q33.1.
Variant type: single nucleotide variant.
Coding change: c.1347T>C on transcript NM_032977.4 (MANE Select); coding-DNA position 1347, T replaced by C.
Protein change: p.Phe449=; no amino-acid change (phenylalanine 449 retained).
Molecular consequence: synonymous variant. On other transcripts: 3 prime UTR variant (1).
Genome position (GRCh38, 1-based): chr2:201,209,494, T>C. VCF-style: chr2-201209494-T-C. GRCh37 (hg19) VCF-style: chr2-202074217-T-C.
Other names: c.1146T>C, p.Phe382= (NM_001206524.2); c.1218T>C, p.Phe406= (NM_001206542.2, NM_001230.5); c.1347T>C, p.Phe449= (NM_032974.5); c.*433T>C (NM_032976.4).
Identifiers: ClinVar variation 333437 (VCV000333437.42), dbSNP rs147814983, ClinGen allele CA2053225.